The following is an entry in ClinVar:

NM_003803.4(MYOM1):c.1703G>A (p.Arg568His)

Gene: MYOM1 (myomesin 1; minus strand). Cytogenetic location: 18p11.31.
Variant type: single nucleotide variant.
Coding change: c.1703G>A on transcript NM_003803.4 (MANE Select); coding-DNA position 1703, G replaced by A.
Protein change: p.Arg568His; replaces arginine 568 with histidine.
Molecular consequence: missense variant.
Genome position (GRCh38, 1-based): chr18:3,151,834, C>T on the plus strand (G>A on the coding strand, the complement: MYOM1 is on the minus strand). VCF-style: chr18-3151834-C-T. GRCh37 (hg19) VCF-style: chr18-3151832-C-T.
Other names: c.1703G>A, p.Arg568His (NM_019856.2); short protein forms R568H.
Identifiers: ClinVar variation 859803 (VCV000859803.7), dbSNP rs769000504, ClinGen allele CA8874877.

ClinVar aggregate classification (germline): Uncertain significance (1 of 4 stars; one submission).

Conditions:
Hypertrophic cardiomyopathy. Also called: HYPERTROPHIC MYOCARDIOPATHY. Identifiers: Orphanet 217569, MedGen C0007194, MeSH D002312, MONDO:0005045, HP:0001639.

Allele frequency attached by ClinVar (database versions not stated): ExAC 0.00002; gnomAD exomes 0.00002 and 0.00004; gnomAD 0.00003 and 0.00004; TOPMed 0.00003.
gnomAD v4.1: 69 of 1,613,580 alleles (0.0043%); highest among the groups gnomAD compares: Middle Eastern, 0.016%; no homozygotes.

Submission:

Labcorp Genetics (formerly Invitae), Labcorp
Classification: Uncertain significance for Hypertrophic cardiomyopathy. Last evaluated: 2024-12-09. Review status: criteria provided, single submitter. Criteria: Invitae Variant Classification Sherloc (09022015). Collection method: clinical testing. Allele origin: germline.
Comment: This sequence change replaces arginine, which is basic and polar, with histidine, which is basic and polar, at codon 568 of the MYOM1 protein (p.Arg568His). This variant is present in population databases (rs769000504, gnomAD 0.006%). This variant has not been reported in the literature in individuals affected with MYOM1-related conditions. ClinVar contains an entry for this variant (Variation ID: 859803). Invitae Evidence Modeling of protein sequence and biophysical properties (such as structural, functional, and spatial information, amino acid conservation, physicochemical variation, residue mobility, and thermodynamic stability) indicates that this missense variant is expected to disrupt MYOM1 protein function with a positive predictive value of 80%. In summary, the available evidence is currently insufficient to determine the role of this variant in disease. Therefore, it has been classified as a Variant of Uncertain Significance.